The following is an entry in ClinVar:

NM_004329.3(BMPR1A):c.1474-8C>T

Gene: BMPR1A (bone morphogenetic protein receptor type 1A; plus strand). Cytogenetic location: 10q23.2.
Variant type: single nucleotide variant.
Coding change: c.1474-8C>T on transcript NM_004329.3 (MANE Select); 8 bases into the intron before coding-DNA position 1474, C replaced by T.
Molecular consequence: intron variant.
Genome position (GRCh38, 1-based): chr10:86,923,586, C>T. VCF-style: chr10-86923586-C-T. GRCh37 (hg19) VCF-style: chr10-88683343-C-T.
Identifiers: ClinVar variation 490983 (VCV000490983.13), dbSNP rs1163768825, ClinGen allele CA658683574.

ClinVar aggregate classification (germline): Likely benign. Review status: criteria provided, multiple submitters, no conflicts (2 of 4 stars). 3 submissions from 3 submitters: Likely benign (3). Last evaluated 2025-04-07.

Conditions:
Juvenile polyposis syndrome (JPS). Identifiers: Orphanet 2929, MedGen C0345893, MONDO:0017380, OMIM 174900.
Hereditary cancer-predisposing syndrome. Also called: Tumor predisposition; Neoplastic Syndromes, Hereditary; Hereditary Cancer Syndrome; Hereditary neoplastic syndrome. Identifiers: Orphanet 140162, MedGen C0027672, MeSH D009386, MONDO:0015356.

Allele frequency attached by ClinVar (database versions not stated): TOPMed 0.00001; gnomAD 0.00002.
gnomAD v4.1: 3 of 1,614,102 alleles (0.00019%); highest among the groups gnomAD compares: African/African-American, 0.004%; no homozygotes.

Submissions (3):

Labcorp Genetics (formerly Invitae), Labcorp
Classification: Likely benign for Juvenile polyposis syndrome. Last evaluated: 2025-04-07. Review status: criteria provided, single submitter. Criteria: Invitae Variant Classification Sherloc (09022015). Collection method: clinical testing. Allele origin: germline.

Myriad Genetics, Inc.
Classification: Likely benign for Juvenile polyposis syndrome. Last evaluated: 2024-08-08. Review status: criteria provided, single submitter. Criteria: Myriad Autosomal Dominant, Autosomal Recessive and X-Linked Classification Criteria (2023). Collection method: clinical testing. Allele origin: unknown.
Comment: This variant is considered likely benign. This variant is intronic and is not expected to impact mRNA splicing.

Color Diagnostics, LLC DBA Color Health
Classification: Likely benign for Hereditary cancer-predisposing syndrome. Last evaluated: 2017-05-26. Review status: criteria provided, single submitter. Criteria: ACMG Guidelines, 2015. Collection method: clinical testing. Allele origin: germline.